The following is an entry in ClinVar:

ClinVar aggregate classification (germline): Uncertain significance. Review status: criteria provided, multiple submitters, no conflicts (2 of 4 stars). 2 submissions from 2 submitters: Uncertain significance (2). Last evaluated 2025-12-21.

Conditions:
DICER1-related tumor predisposition. Also called: DICER1-related pleuropulmonary blastoma cancer predisposition syndrome; DICER1 syndrome. Identifiers: Orphanet 284343, MedGen C3839822, MONDO:0100216.
Hereditary cancer-predisposing syndrome. Also called: Neoplastic Syndromes, Hereditary; Tumor predisposition; Hereditary neoplastic syndrome; Hereditary Cancer Syndrome. Identifiers: Orphanet 140162, MedGen C0027672, MeSH D009386, MONDO:0015356.

Allele frequency attached by ClinVar (database versions not stated): gnomAD exomes below 0.00001.
gnomAD v4.1: 2 of 1,613,810 alleles (0.00012%); highest among the groups gnomAD compares: Non-Finnish European, 0.00017%; no homozygotes.

Submissions (2):

Labcorp Genetics (formerly Invitae), Labcorp
Classification: Uncertain significance for DICER1-related tumor predisposition. Last evaluated: 2025-12-21. Review status: criteria provided, single submitter. Criteria: Invitae Variant Classification Sherloc (09022015). Collection method: clinical testing. Allele origin: germline.
Comment: This sequence change replaces alanine, which is neutral and non-polar, with serine, which is neutral and polar, at codon 12 of the DICER1 protein (p.Ala12Ser). This variant is not present in population databases (gnomAD no frequency). This variant has not been reported in the literature in individuals affected with DICER1-related conditions. ClinVar contains an entry for this variant (Variation ID: 1490522). Invitae Evidence Modeling of protein sequence and biophysical properties (such as structural, functional, and spatial information, amino acid conservation, physicochemical variation, residue mobility, and thermodynamic stability) has been performed for this missense variant. However, the output from this modeling did not meet the statistical confidence thresholds required to predict the impact of this variant on DICER1 protein function. In summary, the available evidence is currently insufficient to determine the role of this variant in disease. Therefore, it has been classified as a Variant of Uncertain Significance.

Ambry Genetics
Classification: Uncertain significance for Hereditary cancer-predisposing syndrome. Last evaluated: 2024-05-23. Review status: criteria provided, single submitter. Criteria: Ambry Variant Classification Scheme 2023. Collection method: clinical testing. Allele origin: germline.
Comment: The p.A12S variant (also known as c.34G>T), located in coding exon 1 of the DICER1 gene, results from a G to T substitution at nucleotide position 34. The alanine at codon 12 is replaced by serine, an amino acid with similar properties. This amino acid position is highly conserved in available vertebrate species. In addition, the in silico prediction for this alteration is inconclusive. Based on the available evidence, the clinical significance of this variant remains unclear.

NM_177438.3(DICER1):c.34G>T (p.Ala12Ser)

Gene: DICER1 (dicer 1, ribonuclease III; minus strand). Cytogenetic location: 14q32.13.
Variant type: single nucleotide variant.
Coding change: c.34G>T on transcript NM_177438.3 (MANE Select); coding-DNA position 34, G replaced by T.
Protein change: p.Ala12Ser; replaces alanine 12 with serine.
Molecular consequence: missense variant.
Genome position (GRCh38, 1-based): chr14:95,133,425, C>A on the plus strand (G>T on the coding strand, the complement: DICER1 is on the minus strand). VCF-style: chr14-95133425-C-A. GRCh37 (hg19) VCF-style: chr14-95599762-C-A.
Other names: c.34G>T, p.Ala12Ser (NM_001195573.1, NM_001271282.3, NM_001291628.2 and 1 more transcripts); short protein forms A12S.
Identifiers: ClinVar variation 1490522 (VCV001490522.10), dbSNP rs1566816656, ClinGen allele CA390890736.